The following is an entry in ClinVar:

ClinVar aggregate classification (germline): Likely pathogenic (1 of 4 stars; one submission).

Submission:

Mayo Clinic Laboratories, Mayo Clinic
Classification: Likely pathogenic. Last evaluated: 2024-01-30. Review status: criteria provided, single submitter. Criteria: ACMG Guidelines, 2015. Collection method: clinical testing. Allele origin: germline. Observed: 1 variant allele.
Comment: PP3, PM1_strong, PM2

NM_000091.5(COL4A3):c.1732G>C (p.Gly578Arg)

Genes: COL4A3 (collagen type IV alpha 3 chain; plus strand), MFF-DT (MFF divergent transcript; minus strand). Cytogenetic location: 2q36.3.
Variant type: single nucleotide variant.
Coding change: c.1732G>C on transcript NM_000091.5 (MANE Select); coding-DNA position 1732, G replaced by C.
Protein change: p.Gly578Arg; replaces glycine 578 with arginine.
Molecular consequence: missense variant.
Genome position (GRCh38, 1-based): chr2:227,270,926, G>C. VCF-style: chr2-227270926-G-C. GRCh37 (hg19) VCF-style: chr2-228135642-G-C.
Other names: p.Gly578Arg; short protein forms G578R.
Identifiers: ClinVar variation 3380964 (VCV003380964.1).
Genomic context (GRCh38, chr2:227,270,926, plus strand): 5'-CTCAGAGGCCAACCTGGGAGAAAGGGCTTGGATGGAATTCCTGGAACTCCGGGAGTGAAA[G>C]GATTACCAGGACCTAAAGGCGAACTGGTTGGTATTTAGCAACTTTACCCTCCCTATAAAT-3'
Protein context (NP_000082.2, residues 568-588): DGIPGTPGVK[Gly578Arg]LPGPKGELAL